The following is an entry in ClinVar:

NM_002769.5(PRSS1):c.486T>C (p.Asp162=)

Genes: PRSS1 (serine protease 1; plus strand), TRB (T cell receptor beta locus; plus strand). Cytogenetic location: 7q34.
Variant type: single nucleotide variant.
Coding change: c.486T>C on transcript NM_002769.5 (MANE Select); coding-DNA position 486, T replaced by C.
Protein change: p.Asp162=; no amino-acid change (aspartic acid 162 retained).
Molecular consequence: synonymous variant.
Genome position (GRCh38, 1-based): chr7:142,752,462, T>C. VCF-style: chr7-142752462-T-C. GRCh37 (hg19) VCF-style: chr7-142460313-T-C.
Other names: p.Asp162=.
Identifiers: ClinVar variation 239391 (VCV000239391.35), dbSNP rs6666, ClinGen allele CA4530030.

ClinVar aggregate classification (germline): Benign/Likely benign. Review status: criteria provided, multiple submitters, no conflicts (2 of 4 stars). 13 submissions from 13 submitters: Benign (7); Likely benign (3). 3 of the submissions do not count toward it. Last evaluated 2026-02-04.

Conditions:
Hereditary pancreatitis (PCTT). Also called: Hereditary chronic pancreatitis; PRSS1-Related Hereditary Pancreatitis. Identifiers: Orphanet 676, MedGen C0238339, MONDO:0008185, OMIM 167800.

Allele frequency attached by ClinVar (database versions not stated): 1000 Genomes Project 30x 0.36774; ExAC 0.36925; 1000 Genomes Project 0.39657.

Submissions (13):

Labcorp Genetics (formerly Invitae), Labcorp
Classification: Benign for Hereditary pancreatitis. Last evaluated: 2026-02-04. Review status: criteria provided, single submitter. Criteria: Invitae Variant Classification Sherloc (09022015). Collection method: clinical testing. Allele origin: germline.

ARUP Laboratories, Molecular Genetics and Genomics, ARUP Laboratories
Classification: Benign for Hereditary pancreatitis. Last evaluated: 2025-07-31. Review status: criteria provided, single submitter. Criteria: ARUP Molecular Germline Variant Investigation Process 2024. Collection method: clinical testing. Allele origin: germline.

Blueprint Genetics
Classification: Likely benign. Last evaluated: 2024-11-27. Review status: criteria provided, single submitter. Criteria: ACMG Guidelines, 2015. Collection method: clinical testing. Allele origin: germline.

KCCC/NGS Laboratory, Kuwait Cancer Control Center
Classification: Benign for Hereditary pancreatitis. Last evaluated: 2023-07-07. Review status: criteria provided, single submitter. Criteria: ACMG Guidelines, 2015. Collection method: clinical testing. Allele origin: germline. Affected: yes.

Mayo Clinic Laboratories, Mayo Clinic
Classification: Benign. Last evaluated: 2023-04-11. Review status: criteria provided, single submitter. Criteria: ACMG Guidelines, 2015. Collection method: clinical testing. Allele origin: germline. Observed: 957 variant alleles.

Women's Health and Genetics/Laboratory Corporation of America, LabCorp
Classification: Benign. Last evaluated: 2021-04-21. Review status: criteria provided, single submitter. Criteria: LabCorp Variant Classification Summary - May 2015. Collection method: clinical testing. Allele origin: germline.

GeneDx
Classification: Likely benign. Last evaluated: 2017-12-19. Review status: criteria provided, single submitter. Criteria: GeneDx Variant Classification (06012015). Collection method: clinical testing. Allele origin: germline. Affected: yes.
Comment: This variant is considered likely benign or benign based on one or more of the following criteria: it is a conservative change, it occurs at a poorly conserved position in the protein, it is predicted to be benign by multiple in silico algorithms, and/or has population frequency not consistent with disease.

Ambry Genetics
Classification: Benign for Hereditary pancreatitis. Last evaluated: 2014-11-26. Review status: criteria provided, single submitter. Criteria: Ambry Variant Classification Scheme 2023. Collection method: clinical testing. Allele origin: germline.

Breakthrough Genomics
Classification: Likely benign. Review status: criteria provided, single submitter. Criteria: ACMG Guidelines, 2015. Collection method: not provided. Allele origin: germline. Inheritance: Autosomal dominant inheritance. Affected: yes.

PreventionGenetics, part of Exact Sciences
Classification: Benign. Review status: criteria provided, single submitter. Criteria: ACMG Guidelines, 2015. Collection method: clinical testing. Allele origin: germline.

Diagnostic Laboratory, Department of Genetics, University Medical Center Groningen
Classification: Benign for Hereditary pancreatitis. Review status: no assertion criteria provided. Collection method: clinical testing. Allele origin: germline. Affected: yes. Study: VKGL Data-share Consensus. Not counted in ClinVar's aggregate classification.

Genome Diagnostics Laboratory, University Medical Center Utrecht
Classification: Benign. Review status: no assertion criteria provided. Collection method: clinical testing. Allele origin: germline. Affected: yes. Study: VKGL Data-share Consensus. Not counted in ClinVar's aggregate classification.

Joint Genome Diagnostic Labs from Nijmegen and Maastricht, Radboudumc and MUMC+
Classification: Benign. Review status: no assertion criteria provided. Collection method: clinical testing. Allele origin: germline. Affected: yes. Study: VKGL Data-share Consensus. Not counted in ClinVar's aggregate classification.